The following is an entry in ClinVar:

ClinVar aggregate classification (germline): Uncertain significance. Review status: criteria provided, multiple submitters, no conflicts (2 of 4 stars). 2 submissions from 2 submitters: Uncertain significance (2). Last evaluated 2023-04-05.

Conditions:
Inborn genetic diseases. Identifiers: MedGen C0950123, MeSH D030342.
IFT172-related disorder. Also called: IFT172-related disorders; IFT172-related condition.

Allele frequency attached by ClinVar (database versions not stated): gnomAD exomes below 0.00001; gnomAD 0.00001; TOPMed 0.00001.
gnomAD v4.1: 4 of 1,603,032 alleles (0.00025%); highest among the groups gnomAD compares: Non-Finnish European, 0.00034%; no homozygotes.

Submissions (2):

Ambry Genetics
Classification: Uncertain significance for Inborn genetic diseases. Last evaluated: 2023-04-05. Review status: criteria provided, single submitter. Criteria: Ambry Variant Classification Scheme 2023. Collection method: clinical testing. Allele origin: germline.

PreventionGenetics, part of Exact Sciences
Classification: Uncertain significance for IFT172-related condition. Last evaluated: 2023-02-09. Review status: criteria provided, single submitter. Criteria: ACMG Guidelines, 2015. Collection method: clinical testing. Allele origin: germline.
Comment: The IFT172 c.204G>A variant is predicted to result in the amino acid substitution p.Met68Ile. To our knowledge, this variant has not been reported in the literature or in a large population database, indicating this variant is rare. At this time, the clinical significance of this variant is uncertain due to the absence of conclusive functional and genetic evidence.

NM_015662.3(IFT172):c.204G>A (p.Met68Ile)

Gene: IFT172 (intraflagellar transport 172; minus strand). Cytogenetic location: 2p23.3.
Variant type: single nucleotide variant.
Coding change: c.204G>A on transcript NM_015662.3 (MANE Select); coding-DNA position 204, G replaced by A.
Protein change: p.Met68Ile; replaces methionine 68 with isoleucine.
Molecular consequence: missense variant.
Genome position (GRCh38, 1-based): chr2:27,485,110, C>T on the plus strand (G>A on the coding strand, the complement: IFT172 is on the minus strand). VCF-style: chr2-27485110-C-T. GRCh37 (hg19) VCF-style: chr2-27707977-C-T.
Other names: c.204G>A, p.Met68Ile (NM_001410739.1); c.204G>A (NM_015662.2); short protein forms M68I.
Identifiers: ClinVar variation 2533023 (VCV002533023.3), dbSNP rs1467002304, ClinGen allele CA346402750.